The following is an entry in ClinVar:

NM_000944.5(PPP3CA):c.1308_1311dup (p.Ser438fs)

Gene: PPP3CA (protein phosphatase 3 catalytic subunit alpha; minus strand). Cytogenetic location: 4q24.
Variant type: Duplication.
Coding change: c.1308_1311dup on transcript NM_000944.5 (MANE Select); coding-DNA positions 1308 to 1311, 4 bases duplicated (ACTT; older notation c.1308_1311dupACTT).
Protein change: p.Ser438fs; shifts the reading frame from serine 438.
Molecular consequence: frameshift variant.
Genome position (GRCh38, 1-based): chr4:101,032,295-101,032,298, AAGT duplicated on the plus strand (ACTT on the coding strand, the reverse complement: PPP3CA is on the minus strand); duplicating any 4 consecutive bases within chr4:101,032,295-101,032,299 gives the same sequence; the c. name uses the placement nearest the transcript's 3' end. VCF-style (leftmost placement, unchanged base first): chr4-101032294-A-AAAGT. GRCh37 (hg19) VCF-style: chr4-101953451-A-AAAGT.
Other names: c.1308_1311dup, p.Ser438fs (NM_001130691.2); c.1182_1185dup, p.Ser396fs (NM_001130692.2); c.1182_1185dupACTT (NM_001130692.1); c.1311_1312insACTT (NM_000944.5); short protein forms S438fs, S396fs.
Identifiers: ClinVar variation 522802 (VCV000522802.4), dbSNP rs1553920379, ClinGen allele CA658796452.
Genomic context (GRCh38, chr4:101,032,294, plus strand): 5'-CCAGCACACAGTCATACCCATCAGCCTGCTTACCGCTTTGCAGGGTTTGCTTCCCTCCAG[A>AAAGT]AAGTACTCCGCTGGGGAGCATGCCAGTTGGGGTCAAGCCTTTCAGCGTCAGCACACTCTC-3'

ClinVar aggregate classification (germline): Pathogenic. Review status: criteria provided, multiple submitters, no conflicts (2 of 4 stars). 2 submissions from 2 submitters: Pathogenic (2). Last evaluated 2025-05-24.

Conditions:
Developmental and epileptic encephalopathy 91. Also called: EPILEPTIC ENCEPHALOPATHY, INFANTILE OR EARLY CHILDHOOD, 1. Identifiers: MedGen C4540199, MONDO:0020630, OMIM 617711.

Submissions (2):

Pediatric Department, Peking University First Hospital
Classification: Pathogenic for Developmental and epileptic encephalopathy 91. Last evaluated: 2025-05-24. Review status: criteria provided, single submitter. Criteria: ACMG Guidelines, 2015. Collection method: research. Allele origin: de novo. Affected: yes.
Comment: Pathogenic(PVS1+PS2+PM2)

Undiagnosed Diseases Network, NIH
Classification: Pathogenic for Developmental and epileptic encephalopathy 91. Last evaluated: 2017-11-26. Review status: criteria provided, single submitter. Criteria: ACMG Guidelines, 2015. Collection method: clinical testing. Allele origin: de novo. Inheritance: Autosomal dominant inheritance. Affected: yes. Observed: 1 variant allele, 1 heterozygote. Study: Undiagnosed Diseases Network (NIH), UDN.